The following is an entry in ClinVar:

ClinVar aggregate classification (germline): Likely pathogenic. Review status: criteria provided, multiple submitters, no conflicts (2 of 4 stars). 2 submissions from 2 submitters: Likely pathogenic (2). Last evaluated 2024-02-02.

Conditions:
Ethylmalonic encephalopathy (EE). Also called: EPEMA syndrome; Encephalopathy, petechiae, and ethylmalonic aciduria; Syndrome of encephalopathy, petechiae, and ethylmalonic aciduria. Identifiers: Orphanet 51188, MedGen C1865349, MONDO:0011229, OMIM 602473. Disease mechanism: loss of function.

gnomAD v4.1: 2 of 1,613,574 alleles (0.00012%); highest among the groups gnomAD compares: Admixed American, 0.0017%; no homozygotes.

Submissions (2):

Baylor Genetics
Classification: Likely pathogenic for Ethylmalonic encephalopathy. Last evaluated: 2024-02-02. Review status: criteria provided, single submitter. Criteria: ACMG Guidelines, 2015. Collection method: clinical testing. Allele origin: unknown.

Labcorp Genetics (formerly Invitae), Labcorp
Classification: Likely pathogenic for Ethylmalonic encephalopathy. Last evaluated: 2021-11-22. Review status: criteria provided, single submitter. Criteria: Invitae Variant Classification Sherloc (09022015). Collection method: clinical testing. Allele origin: germline.
Comment: In summary, the currently available evidence indicates that the variant is pathogenic, but additional data are needed to prove that conclusively. Therefore, this variant has been classified as Likely Pathogenic. Algorithms developed to predict the effect of sequence changes on RNA splicing suggest that this variant may disrupt the consensus splice site. This variant has not been reported in the literature in individuals affected with ETHE1-related conditions. This variant is not present in population databases (gnomAD no frequency). This sequence change affects an acceptor splice site in intron 5 of the ETHE1 gene. It is expected to disrupt RNA splicing. Variants that disrupt the donor or acceptor splice site typically lead to a loss of protein function (PMID: 16199547), and loss-of-function variants in ETHE1 are known to be pathogenic (PMID: 14732903, 19136963).

Literature cited by the submitters: PubMed 16199547 (cited by Labcorp Genetics (formerly Invitae), Labcorp); PubMed 14732903 (cited by Labcorp Genetics (formerly Invitae), Labcorp); PubMed 19136963 (cited by Labcorp Genetics (formerly Invitae), Labcorp).

NM_014297.5(ETHE1):c.596-2A>T

Gene: ETHE1 (ETHE1 persulfide dioxygenase; minus strand). Cytogenetic location: 19q13.31.
Variant type: single nucleotide variant.
Coding change: c.596-2A>T on transcript NM_014297.5 (MANE Select); the canonical splice acceptor site of the intron before coding-DNA position 596, A replaced by T.
Molecular consequence: splice acceptor variant.
Genome position (GRCh38, 1-based): chr19:43,508,062, T>A on the plus strand (A>T on the coding strand, the complement: ETHE1 is on the minus strand). VCF-style: chr19-43508062-T-A. GRCh37 (hg19) VCF-style: chr19-44012214-T-A.
Other names: c.302-2A>T (NM_001320869.2); c.227-2A>T (NM_001320868.2); c.563-2A>T (NM_001320867.2).
Identifiers: ClinVar variation 1481779 (VCV001481779.7), dbSNP rs863223954, ClinGen allele CA406175082.